The following is an entry in ClinVar:

ClinVar aggregate classification (germline): Pathogenic (1 of 4 stars; one submission).

Conditions:
Spastic paraplegia. Identifiers: MedGen C0037772, HP:0001258.

Submission:

Labcorp Genetics (formerly Invitae), Labcorp
Classification: Pathogenic for Spastic paraplegia. Last evaluated: 2022-08-25. Review status: criteria provided, single submitter. Criteria: Invitae Variant Classification Sherloc (09022015). Collection method: clinical testing. Allele origin: germline.
Comment: ClinVar contains an entry for this variant (Variation ID: 1072638). For these reasons, this variant has been classified as Pathogenic. This variant has not been reported in the literature in individuals affected with ZFYVE26-related conditions. This variant is present in population databases (no rsID available, gnomAD 0.007%). This sequence change creates a premature translational stop signal (p.Gln1752Argfs*32) in the ZFYVE26 gene. It is expected to result in an absent or disrupted protein product. Loss-of-function variants in ZFYVE26 are known to be pathogenic (PMID: 18394578, 19805727).

Literature cited by the submitters: PubMed 18394578; PubMed 19805727.

NM_015346.4(ZFYVE26):c.5254del (p.Gln1752fs)

Gene: ZFYVE26 (zinc finger FYVE-type containing 26; minus strand). Cytogenetic location: 14q24.1.
Variant type: Deletion.
Coding change: c.5254del on transcript NM_015346.4 (MANE Select); coding-DNA position 5254, one base deleted (C; older notation c.5254delC).
Protein change: p.Gln1752fs; shifts the reading frame from glutamine 1752.
Molecular consequence: frameshift variant.
Genome position (GRCh38, 1-based): chr14:67,775,082, G deleted on the plus strand (C on the coding strand, the reverse complement: ZFYVE26 is on the minus strand); the first of 2 consecutive G bases (chr14:67,775,082-67,775,083); deleting either gives the same sequence. VCF-style (leftmost placement, unchanged base first): chr14-67775081-TG-T. GRCh37 (hg19) VCF-style: chr14-68241798-TG-T.
Other names: short protein forms Q1752fs.
Identifiers: ClinVar variation 1072638 (VCV001072638.7), dbSNP rs1272539937, ClinGen allele CA614778461.